The following is an entry in ClinVar:

NM_006361.6(HOXB13):c.106C>A (p.His36Asn)

Gene: HOXB13 (homeobox B13; minus strand). Cytogenetic location: 17q21.32.
Variant type: single nucleotide variant.
Coding change: c.106C>A on transcript NM_006361.6 (MANE Select); coding-DNA position 106, C replaced by A.
Protein change: p.His36Asn; replaces histidine 36 with asparagine.
Molecular consequence: missense variant.
Genome position (GRCh38, 1-based): chr17:48,728,488, G>T on the plus strand (C>A on the coding strand, the complement: HOXB13 is on the minus strand). VCF-style: chr17-48728488-G-T. GRCh37 (hg19) VCF-style: chr17-46805850-G-T.
Other names: short protein forms H36N.
Identifiers: ClinVar variation 822107 (VCV000822107.15), dbSNP rs550726919, ClinGen allele CA8634062.

ClinVar aggregate classification (germline): Uncertain significance. Review status: criteria provided, multiple submitters, no conflicts (2 of 4 stars). 3 submissions from 3 submitters: Uncertain significance (3). Last evaluated 2025-08-27.

Conditions:
Hereditary cancer-predisposing syndrome. Also called: Tumor predisposition; Hereditary Cancer Syndrome; Neoplastic Syndromes, Hereditary; Hereditary neoplastic syndrome. Identifiers: Orphanet 140162, MedGen C0027672, MeSH D009386, MONDO:0015356.

Allele frequency attached by ClinVar (database versions not stated): ExAC 0.00001; gnomAD exomes 0.00001; TOPMed 0.00001; 1000 Genomes Project 30x 0.00016; 1000 Genomes Project 0.00020.
gnomAD v4.1: 4 of 1,613,416 alleles (0.00025%); highest among the groups gnomAD compares: Admixed American, 0.0017%; no homozygotes.

Submissions (3):

Ambry Genetics
Classification: Uncertain significance for Hereditary cancer-predisposing syndrome. Last evaluated: 2025-08-27. Review status: criteria provided, single submitter. Criteria: Ambry Variant Classification Scheme 2023. Collection method: clinical testing. Allele origin: germline.
Comment: The p.H36N variant (also known as c.106C>A), located in coding exon 1 of the HOXB13 gene, results from a C to A substitution at nucleotide position 106. The histidine at codon 36 is replaced by asparagine, an amino acid with similar properties. This amino acid position is well conserved in available vertebrate species. In addition, the in silico prediction for this alteration is inconclusive. Based on the available evidence, the clinical significance of this variant remains unclear.

Labcorp Genetics (formerly Invitae), Labcorp
Classification: Uncertain significance. Last evaluated: 2025-06-25. Review status: criteria provided, single submitter. Criteria: Invitae Variant Classification Sherloc (09022015). Collection method: clinical testing. Allele origin: germline.
Comment: This sequence change replaces histidine, which is basic and polar, with asparagine, which is neutral and polar, at codon 36 of the HOXB13 protein (p.His36Asn). This variant is present in population databases (rs550726919, gnomAD 0.003%). This variant has not been reported in the literature in individuals affected with HOXB13-related conditions. ClinVar contains an entry for this variant (Variation ID: 822107). An algorithm developed to predict the effect of missense changes on protein structure and function (PolyPhen-2) suggests that this variant is likely to be tolerated. In summary, the available evidence is currently insufficient to determine the role of this variant in disease. Therefore, it has been classified as a Variant of Uncertain Significance.

Quest Diagnostics Nichols Institute San Juan Capistrano
Classification: Uncertain significance. Last evaluated: 2025-05-05. Review status: criteria provided, single submitter. Criteria: Quest Diagnostics criteria. Collection method: clinical testing. Allele origin: unknown.
Comment: The HOXB13 c.106C>A (p.His36Asn) variant has not been reported in individuals with HOXB13-related conditions in the published literature. The frequency of this variant in the general population (Genome Aggregation Database) is uninformative in the assessment of its pathogenicity. Analysis of this variant using bioinformatics tools for the prediction of the effect of amino acid changes on protein structure and function yielded conflicting predictions that this variant is benign or damaging. Based on the available information, we are unable to determine the clinical significance of this variant.

Literature cited by the submitters: PubMed 28272408 (cited by Quest Diagnostics Nichols Institute San Juan Capistrano).